The following is an entry in ClinVar:

NM_001020658.2(PUM1):c.2051C>A (p.Thr684Asn)

Gene: PUM1 (pumilio RNA binding family member 1; minus strand). Cytogenetic location: 1p35.2.
Variant type: single nucleotide variant.
Coding change: c.2051C>A on transcript NM_001020658.2 (MANE Select); coding-DNA position 2051, C replaced by A.
Protein change: p.Thr684Asn; replaces threonine 684 with asparagine.
Molecular consequence: missense variant.
Genome position (GRCh38, 1-based): chr1:30,966,017, G>T on the plus strand (C>A on the coding strand, the complement: PUM1 is on the minus strand). VCF-style: chr1-30966017-G-T. GRCh37 (hg19) VCF-style: chr1-31438864-G-T.
Other names: c.2051C>A, p.Thr684Asn (NM_014676.3); short protein forms T684N.
Identifiers: ClinVar variation 3368813 (VCV003368813.2).

ClinVar aggregate classification (germline): Uncertain significance. Review status: criteria provided, multiple submitters, no conflicts (2 of 4 stars). 2 submissions from 2 submitters: Uncertain significance (2). Last evaluated 2025-12-09.

Conditions:
Inborn genetic diseases. Identifiers: MedGen C0950123, MeSH D030342.

Submissions (2):

Ambry Genetics
Classification: Uncertain significance for Inborn genetic diseases. Last evaluated: 2025-12-09. Review status: criteria provided, single submitter. Criteria: Ambry Variant Classification Scheme 2023. Collection method: clinical testing. Allele origin: germline.

GeneDx
Classification: Uncertain significance. Last evaluated: 2024-02-07. Review status: criteria provided, single submitter. Criteria: GeneDx Variant Classification Process June 2021. Collection method: clinical testing. Allele origin: germline. Affected: yes.
Comment: Not observed at significant frequency in large population cohorts (gnomAD); In silico analysis supports that this missense variant does not alter protein structure/function; Has not been previously published as pathogenic or benign to our knowledge